The following is an entry in ClinVar:

NM_022114.4(PRDM16):c.2790C>A (p.Phe930Leu)

Gene: PRDM16 (PR/SET domain 16; plus strand). Cytogenetic location: 1p36.32.
Variant type: single nucleotide variant.
Coding change: c.2790C>A on transcript NM_022114.4 (MANE Select); coding-DNA position 2790, C replaced by A.
Protein change: p.Phe930Leu; replaces phenylalanine 930 with leucine.
Molecular consequence: missense variant.
Genome position (GRCh38, 1-based): chr1:3,417,926, C>A. VCF-style: chr1-3417926-C-A. GRCh37 (hg19) VCF-style: chr1-3334490-C-A.
Other names: c.2790C>A, p.Phe930Leu (NM_199454.3); short protein forms F930L.
Identifiers: ClinVar variation 3370538 (VCV003370538.2).

ClinVar aggregate classification (germline): Uncertain significance. Review status: criteria provided, multiple submitters, no conflicts (2 of 4 stars). 2 submissions from 2 submitters: Uncertain significance (2). Last evaluated 2025-02-27.

Conditions:
Inborn genetic diseases. Identifiers: MedGen C0950123, MeSH D030342.

Submissions (2):

Ambry Genetics
Classification: Uncertain significance for Inborn genetic diseases. Last evaluated: 2025-02-27. Review status: criteria provided, single submitter. Criteria: Ambry Variant Classification Scheme 2023. Collection method: clinical testing. Allele origin: germline.

GeneDx
Classification: Uncertain significance. Last evaluated: 2024-03-09. Review status: criteria provided, single submitter. Criteria: GeneDx Variant Classification Process June 2021. Collection method: clinical testing. Allele origin: germline. Affected: yes.
Comment: Not observed at significant frequency in large population cohorts (gnomAD); In silico analysis supports that this missense variant has a deleterious effect on protein structure/function; Has not been previously published as pathogenic or benign to our knowledge